The following is an entry in ClinVar:

ClinVar aggregate classification (germline): Likely benign. Review status: criteria provided, multiple submitters, no conflicts (2 of 4 stars). 3 submissions from 3 submitters: Likely benign (3). Last evaluated 2025-12-30.

Conditions:
Malignant hyperthermia, susceptibility to, 1 (MHS1). Also called: RYR1-Related Malignant Hyperthermia Susceptibility; Anesthesia related hyperthermia; Malignant hyperpyrexia; Fulminating hyperpyrexia; Pharmacogenic myopathy; Malignant hyperthermia suceptibility 1. Identifiers: Orphanet 423, MedGen C2930980, MONDO:0007783, OMIM 145600.
RYR1-related disorder. Also called: RYR1-related condition; RYR1-related disorders. Identifiers: MedGen CN239331.

Allele frequency attached by ClinVar (database versions not stated): gnomAD 0.00003; gnomAD exomes 0.00003 and 0.00004; TOPMed 0.00005.
gnomAD v4.1: 57 of 1,610,318 alleles (0.0035%); highest among the groups gnomAD compares: Non-Finnish European, 0.0044%; no homozygotes.

Submissions (3):

Labcorp Genetics (formerly Invitae), Labcorp
Classification: Likely benign for RYR1-related disorder. Last evaluated: 2025-12-30. Review status: criteria provided, single submitter. Criteria: Invitae Variant Classification Sherloc (09022015). Collection method: clinical testing. Allele origin: germline.

CeGaT Center for Human Genetics Tuebingen
Classification: Likely benign. Last evaluated: 2025-06-01. Review status: criteria provided, single submitter. Criteria: CeGaT Center For Human Genetics Tuebingen Variant Classification Criteria Version 2. Collection method: clinical testing. Allele origin: germline. Affected: yes. Observed: 1 variant allele.
Comment: RYR1: BP4, BP7

Color Diagnostics, LLC DBA Color Health
Classification: Likely benign for Malignant hyperthermia, susceptibility to, 1. Last evaluated: 2023-11-22. Review status: criteria provided, single submitter. Criteria: ACMG Guidelines, 2015. Collection method: clinical testing. Allele origin: germline.

NM_000540.3(RYR1):c.1299G>A (p.Thr433=)

Gene: RYR1 (ryanodine receptor 1; plus strand). Cytogenetic location: 19q13.2.
Variant type: single nucleotide variant.
Coding change: c.1299G>A on transcript NM_000540.3 (MANE Select); coding-DNA position 1299, G replaced by A.
Protein change: p.Thr433=; no amino-acid change (threonine 433 retained).
Molecular consequence: synonymous variant.
Genome position (GRCh38, 1-based): chr19:38,452,873, G>A. VCF-style: chr19-38452873-G-A. GRCh37 (hg19) VCF-style: chr19-38943513-G-A.
Other names: c.1299G>A, p.Thr433= (NM_001042723.2).
Identifiers: ClinVar variation 859352 (VCV000859352.18), dbSNP rs1023597741, ClinGen allele CA308120671.
Genomic context (GRCh38, chr19:38,452,873, plus strand): 5'-CTGTAGGAGCCTGGACAGCTTCAGCGGGAAGCCACGGGGCTCGGGGCCACCCGCTGGCAC[G>A]GCGCTGCCCATCGAGGGCGTTATCCTGAGCCTGCAGGACCTCATCATCTACTTCGAGCCT-3'
Protein context (NP_000531.2, residues 423-443): KPRGSGPPAG[Thr433=]ALPIEGVILS